The following is an entry in ClinVar:

NM_015509.4(NECAP1):c.258_273del (p.Asp87fs)

Gene: NECAP1 (NECAP endocytosis associated 1; plus strand). Cytogenetic location: 12p13.31.
Variant type: Deletion.
Coding change: c.258_273del on transcript NM_015509.4 (MANE Select); coding-DNA positions 258 to 273, 16 bases deleted (AGATTCTAGCCGCTAC).
Protein change: p.Asp87fs; shifts the reading frame from aspartic acid 87.
Molecular consequence: frameshift variant. On other transcripts: non-coding transcript variant (1).
Genome position (GRCh38, 1-based): chr12:8,090,256-8,090,271, AGATTCTAGCCGCTAC deleted; deleting any 16 consecutive bases within chr12:8,090,254-8,090,271 gives the same sequence; the c. name uses the placement nearest the transcript's 3' end. VCF-style (leftmost placement, unchanged base first): chr12-8090253-GACAGATTCTAGCCGCT-G. GRCh37 (hg19) VCF-style: chr12-8242849-GACAGATTCTAGCCGCT-G.
Other names: short protein forms D87fs.
Identifiers: ClinVar variation 1994553 (VCV001994553.4), dbSNP rs2498172659, ClinGen allele CA2580086300.

ClinVar aggregate classification (germline): Pathogenic (1 of 4 stars; one submission).

Conditions:
Developmental and epileptic encephalopathy, 21 (DEE21). Also called: Early infantile epileptic encephalopathy 21. Identifiers: Orphanet 442835, MedGen C4014430, MONDO:0014360, OMIM 615833.

Submission:

Labcorp Genetics (formerly Invitae), Labcorp
Classification: Pathogenic for Developmental and epileptic encephalopathy, 21. Last evaluated: 2022-05-15. Review status: criteria provided, single submitter. Criteria: Invitae Variant Classification Sherloc (09022015). Collection method: clinical testing. Allele origin: germline.
Comment: This variant has not been reported in the literature in individuals affected with NECAP1-related conditions. This variant is not present in population databases (gnomAD no frequency). This sequence change creates a premature translational stop signal (p.Asp87Leufs*2) in the NECAP1 gene. It is expected to result in an absent or disrupted protein product. Loss-of-function variants in NECAP1 are known to be pathogenic (PMID: 24399846, 30626896). For these reasons, this variant has been classified as Pathogenic.

Literature cited by the submitters: PubMed 24399846; PubMed 30626896.